The following is an entry in ClinVar:

NM_000257.4(MYH7):c.5253T>C (p.Ala1751=)

Genes: MYH7 (myosin heavy chain 7; minus strand), LOC126861897 (BRD4-independent group 4 enhancer GRCh37_chr14:23884455-23885654; plus strand). Cytogenetic location: 14q11.2.
Variant type: single nucleotide variant.
Coding change: c.5253T>C on transcript NM_000257.4 (MANE Select); coding-DNA position 5253, T replaced by C.
Protein change: p.Ala1751=; no amino-acid change (alanine 1751 retained).
Molecular consequence: synonymous variant.
Genome position (GRCh38, 1-based): chr14:23,415,411, A>G on the plus strand (T>C on the coding strand, the complement: MYH7 is on the minus strand). VCF-style: chr14-23415411-A-G. GRCh37 (hg19) VCF-style: chr14-23884620-A-G.
Other names: c.5253T>C (LRG_384t1).
Identifiers: ClinVar variation 378879 (VCV000378879.36), dbSNP rs776282574, ClinGen allele CA045824.

ClinVar aggregate classification (germline): Likely benign. Review status: criteria provided, multiple submitters, no conflicts (2 of 4 stars). 13 submissions from 13 submitters: Likely benign (10). 3 of the submissions do not count toward it. Last evaluated 2026-02-03.

Conditions:
Cardiovascular phenotype. Identifiers: MedGen CN230736.
Cardiomyopathy (CMYO). Also called: Cardiomyopathies. Identifiers: Orphanet 167848, MedGen C0878544, MONDO:0004994, HP:0001638. Inheritance: Various modes of inheritance.
Hypertrophic cardiomyopathy. Also called: HYPERTROPHIC MYOCARDIOPATHY. Identifiers: Orphanet 217569, MedGen C0007194, MeSH D002312, MONDO:0005045, HP:0001639.
MYH7-related disorder. Also called: MYH7-related disorders; MYH7-related condition; MYH7-related disease.

Allele frequency attached by ClinVar (database versions not stated): ExAC 0.00001; gnomAD 0.00003 and 0.00004; gnomAD exomes 0.00004 and 0.00006; TOPMed 0.00004.

Submissions (13):

Labcorp Genetics (formerly Invitae), Labcorp
Classification: Likely benign for Hypertrophic cardiomyopathy. Last evaluated: 2026-02-03. Review status: criteria provided, single submitter. Criteria: Invitae Variant Classification Sherloc (09022015). Collection method: clinical testing. Allele origin: germline.

CeGaT Center for Human Genetics Tuebingen
Classification: Likely benign. Last evaluated: 2025-09-01. Review status: criteria provided, single submitter. Criteria: CeGaT Center For Human Genetics Tuebingen Variant Classification Criteria Version 2. Collection method: clinical testing. Allele origin: germline. Affected: yes. Observed: 1 variant allele.
Comment: MYH7: BP4, BP7

Molecular Diagnostic Laboratory for Inherited Cardiovascular Disease, Montreal Heart Institute
Classification: Likely benign. Last evaluated: 2025-04-09. Review status: criteria provided, single submitter. Criteria: ACMG Guidelines, 2015. Collection method: clinical testing. Allele origin: germline. Affected: no.
Comment: BP7

Blueprint Genetics
Classification: Likely benign. Last evaluated: 2024-02-21. Review status: criteria provided, single submitter. Criteria: ACMG Guidelines, 2015. Collection method: clinical testing. Allele origin: germline.

All of Us Research Program, National Institutes of Health
Classification: Likely benign for Cardiomyopathy. Last evaluated: 2023-12-13. Review status: criteria provided, single submitter. Criteria: ACMG Guidelines, 2015. Collection method: clinical testing. Allele origin: germline. Inheritance: Autosomal dominant inheritance. Observed: 11 variant alleles, 11 heterozygotes.
Comment: This study involves interpretation of variants in research participants for the purpose of population health screening. Participant phenotype was not available at the time of variant classification. Additional details can be found in publication PMID: 35346344, PMCID: PMC8962531

Women's Health and Genetics/Laboratory Corporation of America, LabCorp
Classification: Likely benign. Last evaluated: 2022-05-16. Review status: criteria provided, single submitter. Criteria: LabCorp Variant Classification Summary - May 2015. Collection method: clinical testing. Allele origin: germline.

CHEO Genetics Diagnostic Laboratory, Children's Hospital of Eastern Ontario
Classification: Likely benign for Cardiomyopathy. Last evaluated: 2020-07-27. Review status: criteria provided, single submitter. Criteria: ACMG Guidelines, 2015. Collection method: clinical testing. Allele origin: germline.

GeneDx
Classification: Likely benign. Last evaluated: 2020-01-28. Review status: criteria provided, single submitter. Criteria: GeneDx Variant Classification Process June 2021. Collection method: clinical testing. Allele origin: germline. Affected: yes.

Color Diagnostics, LLC DBA Color Health
Classification: Likely benign for Cardiomyopathy. Last evaluated: 2018-10-21. Review status: criteria provided, single submitter. Criteria: ACMG Guidelines, 2015. Collection method: clinical testing. Allele origin: germline.

Ambry Genetics
Classification: Likely benign for Cardiovascular phenotype. Last evaluated: 2016-06-30. Review status: criteria provided, single submitter. Criteria: Ambry Variant Classification Scheme 2023. Collection method: clinical testing. Allele origin: germline.

PreventionGenetics, part of Exact Sciences
Classification: Likely benign for MYH7-related condition. Last evaluated: 2020-08-31. Review status: no assertion criteria provided. Collection method: clinical testing. Allele origin: germline. Not counted in ClinVar's aggregate classification.
Comment: This variant is classified as likely benign based on ACMG/AMP sequence variant interpretation guidelines (Richards et al. 2015 PMID: 25741868, with internal and published modifications).

Genome Diagnostics Laboratory, University Medical Center Utrecht
Classification: Likely benign. Review status: no assertion criteria provided. Collection method: clinical testing. Allele origin: germline. Affected: yes. Study: VKGL Data-share Consensus. Not counted in ClinVar's aggregate classification.

Joint Genome Diagnostic Labs from Nijmegen and Maastricht, Radboudumc and MUMC+
Classification: Benign. Review status: no assertion criteria provided. Collection method: clinical testing. Allele origin: germline. Affected: yes. Study: VKGL Data-share Consensus. Not counted in ClinVar's aggregate classification.